The following is an entry in ClinVar:

NM_000552.5(VWF):c.2138G>A (p.Gly713Asp)

Gene: VWF (von Willebrand factor; minus strand). Cytogenetic location: 12p13.31.
Variant type: single nucleotide variant.
Coding change: c.2138G>A on transcript NM_000552.5 (MANE Select); coding-DNA position 2138, G replaced by A.
Protein change: p.Gly713Asp; replaces glycine 713 with aspartic acid.
Molecular consequence: missense variant.
Genome position (GRCh38, 1-based): chr12:6,052,591, C>T on the plus strand (G>A on the coding strand, the complement: VWF is on the minus strand). VCF-style: chr12-6052591-C-T. GRCh37 (hg19) VCF-style: chr12-6161757-C-T.
Other names: short protein forms G713D.
Identifiers: ClinVar variation 2637837 (VCV002637837.1), dbSNP rs760218536, ClinGen allele CA6403166.

ClinVar aggregate classification (germline): Uncertain significance (1 of 4 stars; one submission).

Allele frequency attached by ClinVar (database versions not stated): ExAC 0.00002.
gnomAD v4.1: 9 of 1,614,270 alleles (0.00056%); highest among the groups gnomAD compares: East Asian, 0.02%; no homozygotes.

Submission:

Women's Health and Genetics/Laboratory Corporation of America, LabCorp
Classification: Uncertain significance. Last evaluated: 2023-10-20. Review status: criteria provided, single submitter. Criteria: LabCorp Variant Classification Summary - May 2015. Collection method: clinical testing. Allele origin: germline.
Comment: Variant summary: VWF c.2138G>A (p.Gly713Asp) results in a non-conservative amino acid change in the encoded protein sequence. Five of five in-silico tools predict a damaging effect of the variant on protein function. The variant allele was found at a frequency of 2.4e-05 in 251486 control chromosomes. The available data on variant occurrences in the general population are insufficient to allow any conclusion about variant significance. To our knowledge, no occurrence of c.2138G>A in individuals affected with Von Willebrand Disease and no experimental evidence demonstrating its impact on protein function have been reported. No submitters have cited clinical-significance assessments for this variant to ClinVar after 2014. Based on the evidence outlined above, the variant was classified as uncertain significance.